The following is an entry in ClinVar:

ClinVar aggregate classification (germline): Pathogenic (1 of 4 stars; one submission).

Conditions:
Lynch syndrome 5 (LYNCH5). Also called: Colorectal cancer, hereditary nonpolyposis, type 5; Hereditary non-polyposis colorectal cancer, type 5. Identifiers: Orphanet 144, MedGen C1833477, MONDO:0013710, OMIM 614350. Disease mechanism: loss of function.

Submission:

Myriad Genetics, Inc.
Classification: Pathogenic for Lynch syndrome 5. Last evaluated: 2023-11-15. Review status: criteria provided, single submitter. Criteria: Myriad Autosomal Dominant, Autosomal Recessive and X-Linked Classification Criteria (2023). Collection method: clinical testing. Allele origin: unknown.
Comment: This variant is considered pathogenic. This variant creates a frameshift predicted to result in premature protein truncation.

NM_000179.3(MSH6):c.1283dup (p.Val429fs)

Gene: MSH6 (mutS homolog 6; plus strand). Cytogenetic location: 2p16.3.
Variant type: Duplication.
Coding change: c.1283dup on transcript NM_000179.3 (MANE Select); coding-DNA position 1283, one base duplicated (A; older notation c.1283dupA).
Protein change: p.Val429fs; shifts the reading frame from valine 429.
Molecular consequence: frameshift variant. On other transcripts: non-coding transcript variant (4), intron variant (1).
Genome position (GRCh38, 1-based): chr2:47,799,266, A duplicated; the last of 2 consecutive A bases (chr2:47,799,265-47,799,266); duplicating either gives the same sequence. VCF-style (leftmost placement, unchanged base first): chr2-47799264-C-CA. GRCh37 (hg19) VCF-style: chr2-48026403-C-CA.
Other names: c.893dup, p.Val299fs (NM_001281492.2); c.377dup, p.Val127fs (NM_001281493.2, NM_001281494.2, NM_001406811.1 and 6 more transcripts); c.1379dup, p.Val461fs (NM_001406795.1, NM_001406802.1); c.1283dup, p.Val429fs (NM_001406796.1, NM_001406798.1, NM_001406800.1 and 4 more transcripts); c.986dup, p.Val330fs (NM_001406797.1, NM_001406801.1, NM_001406805.1 and 10 more transcripts); c.758dup, p.Val254fs (NM_001406799.1, NM_001406806.1, NM_001406807.1); c.1205dup, p.Val403fs (NM_001406804.1); c.1289dup, p.Val431fs (NM_001406813.1); and 2 more; short protein forms V127fs, V254fs, V299fs, V330fs, V373fs, V403fs, V429fs, V431fs.
Identifiers: ClinVar variation 2674010 (VCV002674010.1), dbSNP rs2530601004, ClinGen allele CA2695200566.